The following is an entry in ClinVar:

NM_001242.5(CD27):c.22T>C (p.Trp8Arg)

Genes: CD27 (CD27 molecule; plus strand), CD27-AS1 (CD27 antisense RNA 1; minus strand). Cytogenetic location: 12p13.31.
Variant type: single nucleotide variant.
Coding change: c.22T>C on transcript NM_001242.5 (MANE Select); coding-DNA position 22, T replaced by C.
Protein change: p.Trp8Arg; replaces tryptophan 8 with arginine.
Molecular consequence: missense variant.
Genome position (GRCh38, 1-based): chr12:6,445,117, T>C. VCF-style: chr12-6445117-T-C. GRCh37 (hg19) VCF-style: chr12-6554283-T-C.
Other names: short protein forms W8R.
Identifiers: ClinVar variation 972012 (VCV000972012.10), dbSNP rs1949394416, ClinGen allele CA383544693.
Genomic context (GRCh38, chr12:6,445,117, plus strand): 5'-AGCAACTGGGCACAGAAAGGAGCCGCCTGGGCAGGGACCATGGCACGGCCACATCCCTGG[T>C]GGCTGTGCGTTCTGGGGACCCTGGTGGGGCTCTCAGCTACTCCAGCCCCCAAGAGCTGCC-3'
Protein context (NP_001233.2, residues 1-18): MARPHPW[Trp8Arg]LCVLGTLVGL

ClinVar aggregate classification (germline): Uncertain significance (1 of 4 stars; one submission).

Conditions:
Lymphoproliferative syndrome 2 (LPFS2). Also called: Combined immunodeficiency due to CD27 deficiency; CD27 DEFICIENCY. Identifiers: Orphanet 238505, MedGen C3554540, MONDO:0014054, OMIM 615122.

Submission:

Labcorp Genetics (formerly Invitae), Labcorp
Classification: Uncertain significance for Lymphoproliferative syndrome 2. Last evaluated: 2019-09-29. Review status: criteria provided, single submitter. Criteria: Invitae Variant Classification Sherloc (09022015). Collection method: clinical testing. Allele origin: germline.
Comment: This variant has not been reported in the literature in individuals with CD27-related conditions. In summary, the available evidence is currently insufficient to determine the role of this variant in disease. Therefore, it has been classified as a Variant of Uncertain Significance. Algorithms developed to predict the effect of missense changes on protein structure and function (SIFT, PolyPhen-2, Align-GVGD) all suggest that this variant is likely to be disruptive, but these predictions have not been confirmed by published functional studies and their clinical significance is uncertain. This variant is not present in population databases (ExAC no frequency). This sequence change replaces tryptophan with arginine at codon 8 of the CD27 protein (p.Trp8Arg). The tryptophan residue is highly conserved and there is a moderate physicochemical difference between tryptophan and arginine.